The following is an entry in ClinVar:

NM_006912.6(RIT1):c.92G>A (p.Gly31Asp)

Gene: RIT1 (Ras like without CAAX 1; minus strand). Cytogenetic location: 1q22.
Variant type: single nucleotide variant.
Coding change: c.92G>A on transcript NM_006912.6 (MANE Select); coding-DNA position 92, G replaced by A.
Protein change: p.Gly31Asp; replaces glycine 31 with aspartic acid.
Molecular consequence: missense variant. On other transcripts: intron variant (1).
Genome position (GRCh38, 1-based): chr1:155,910,670, C>T on the plus strand (G>A on the coding strand, the complement: RIT1 is on the minus strand). VCF-style: chr1-155910670-C-T. GRCh37 (hg19) VCF-style: chr1-155880461-C-T.
Other names: c.143G>A, p.Gly48Asp (NM_001256821.2); c.-2-164G>A (NM_001256820.2); short protein forms G31D, G48D.
Identifiers: ClinVar variation 4689890 (VCV004689890.1).
Genomic context (GRCh38, chr1:155,910,670, plus strand): 5'-AGTACTTTTCATCCATGCTTCCTGTCAAATGGAAAATGTTACCTACCACTCTTCCCTACA[C>T]CACCAGCACCCAGCATCACTAGTTTGTACTCCCGTGAGAGCCCAGCGGGGCTGCTACAGC-3'
Protein context (NP_008843.1, residues 21-41): EYKLVMLGAG[Gly31Asp]VGKSAMTMQF

ClinVar aggregate classification (germline): Uncertain significance (1 of 4 stars; one submission).

Submission:

GeneDx
Classification: Uncertain significance. Last evaluated: 2025-07-25. Review status: criteria provided, single submitter. Criteria: GeneDx Variant Classification Process June 2021. Collection method: clinical testing. Allele origin: germline. Affected: yes.
Comment: Not observed at significant frequency in large population cohorts (gnomAD); In silico analysis supports that this missense variant has a deleterious effect on protein structure/function; Has not been previously published as pathogenic or benign to our knowledge